The following is an entry in ClinVar:

ClinVar aggregate classification (germline): Uncertain significance. Review status: criteria provided, multiple submitters, no conflicts (2 of 4 stars). 2 submissions from 2 submitters: Uncertain significance (2). Last evaluated 2024-12-07.

Conditions:
Inborn genetic diseases. Identifiers: MedGen C0950123, MeSH D030342.

Allele frequency attached by ClinVar (database versions not stated): ExAC 0.00001; gnomAD exomes 0.00002 and 0.00006; TOPMed 0.00002.
gnomAD v4.1: 90 of 1,614,002 alleles (0.0056%); highest among the groups gnomAD compares: Non-Finnish European, 0.0075%; no homozygotes.

Submissions (2):

Ambry Genetics
Classification: Uncertain significance for Inborn genetic diseases. Last evaluated: 2024-12-07. Review status: criteria provided, single submitter. Criteria: Ambry Variant Classification Scheme 2023. Collection method: clinical testing. Allele origin: germline.
Comment: The p.P75L variant (also known as c.224C>T), located in coding exon 2 of the USB1 gene, results from a C to T substitution at nucleotide position 224. The proline at codon 75 is replaced by leucine, an amino acid with similar properties. This amino acid position is conserved. In addition, the in silico prediction for this alteration is inconclusive. Based on the available evidence, the clinical significance of this variant remains unclear.

Labcorp Genetics (formerly Invitae), Labcorp
Classification: Uncertain significance. Last evaluated: 2021-09-09. Review status: criteria provided, single submitter. Criteria: Invitae Variant Classification Sherloc (09022015). Collection method: clinical testing. Allele origin: germline.
Comment: Algorithms developed to predict the effect of missense changes on protein structure and function are either unavailable or do not agree on the potential impact of this missense change (SIFT: "Not Available"; PolyPhen-2: "Probably Damaging"; Align-GVGD: "Not Available"). This sequence change replaces proline with leucine at codon 75 of the USB1 protein (p.Pro75Leu). The proline residue is moderately conserved and there is a moderate physicochemical difference between proline and leucine. This variant is present in population databases (rs763524876, ExAC 0.002%). This variant has not been reported in the literature in individuals affected with USB1-related conditions. In summary, the available evidence is currently insufficient to determine the role of this variant in disease. Therefore, it has been classified as a Variant of Uncertain Significance.

NM_024598.4(USB1):c.224C>T (p.Pro75Leu)

Gene: USB1 (U6 snRNA biogenesis phosphodiesterase 1; plus strand). Cytogenetic location: 16q21.
Variant type: single nucleotide variant.
Coding change: c.224C>T on transcript NM_024598.4 (MANE Select); coding-DNA position 224, C replaced by T.
Protein change: p.Pro75Leu; replaces proline 75 with leucine.
Molecular consequence: missense variant.
Genome position (GRCh38, 1-based): chr16:58,002,604, C>T. VCF-style: chr16-58002604-C-T. GRCh37 (hg19) VCF-style: chr16-58036508-C-T.
Other names: c.224C>T, p.Pro75Leu (NM_001195302.2, NM_001204911.2, NM_001330569.2); c.71C>T, p.Pro24Leu (NM_001330568.2); c.224C>T (NM_024598.3); short protein forms P24L, P75L.
Identifiers: ClinVar variation 1426220 (VCV001426220.7), dbSNP rs763524876, ClinGen allele CA8084838.